The following is an entry in ClinVar:

ClinVar aggregate classification (germline): Conflicting classifications of pathogenicity. Review status: criteria provided, conflicting classifications (1 of 4 stars). 2 submissions from 2 submitters: Likely pathogenic (1); Uncertain significance (1). Last evaluated 2024-07-16.

Allele frequency attached by ClinVar (database versions not stated): gnomAD exomes below 0.00001; gnomAD 0.00001; TOPMed 0.00002.

Submissions (2):

GeneDx
Classification: Likely pathogenic. Last evaluated: 2024-07-16. Review status: criteria provided, single submitter. Criteria: GeneDx Variant Classification Process June 2021. Collection method: clinical testing. Allele origin: germline. Affected: yes.
Comment: Has not been previously published as pathogenic or benign to our knowledge; In-frame deletion of one amino acid in a non-repeat region; In silico analysis supports a deleterious effect on protein structure/function; Not observed at significant frequency in large population cohorts (gnomAD)

Labcorp Genetics (formerly Invitae), Labcorp
Classification: Uncertain significance. Last evaluated: 2021-12-12. Review status: criteria provided, single submitter. Criteria: Invitae Variant Classification Sherloc (09022015). Collection method: clinical testing. Allele origin: germline.
Comment: This variant is not present in population databases (gnomAD no frequency). This variant has not been reported in the literature in individuals affected with PIGV-related conditions. Experimental studies and prediction algorithms are not available or were not evaluated, and the functional significance of this variant is currently unknown. In summary, the available evidence is currently insufficient to determine the role of this variant in disease. Therefore, it has been classified as a Variant of Uncertain Significance. This variant, c.844_846del, results in the deletion of 1 amino acid(s) of the PIGV protein (p.Asp282del), but otherwise preserves the integrity of the reading frame.

NM_017837.4(PIGV):c.844_846del (p.Asp282del)

Gene: PIGV (phosphatidylinositol glycan anchor biosynthesis class V; plus strand). Cytogenetic location: 1p36.11.
Variant type: Deletion.
Coding change: c.844_846del on transcript NM_017837.4 (MANE Select); coding-DNA positions 844 to 846, 3 bases deleted (GAC; older notation c.844_846delGAC).
Protein change: p.Asp282del; deletes aspartic acid 282.
Molecular consequence: inframe deletion. On other transcripts: non-coding transcript variant (1), intron variant (1).
Genome position (GRCh38, 1-based): chr1:26,794,878-26,794,880, GAC deleted. VCF-style (leftmost placement, unchanged base first): chr1-26794877-AGAC-A. GRCh37 (hg19) VCF-style: chr1-27121368-AGAC-A.
Other names: c.844_846del, p.Asp282del (NM_001202554.2, NM_001374478.1, NM_001374480.1 and 2 more transcripts); c.463_465del, p.Asp155del (NM_001374483.1); c.217_219del, p.Asp73del (NM_001374484.1, NM_001374485.1); c.79-2685_79-2683del (NM_001374486.1); short protein forms D155del, D282del, D73del.
Identifiers: ClinVar variation 1338926 (VCV001338926.8), dbSNP rs2081360507, ClinGen allele CA999840525.